The following is an entry in ClinVar:

ClinVar aggregate classification (germline): Uncertain significance (1 of 4 stars; one submission).

Conditions:
GLUT1 deficiency syndrome 1, autosomal recessive. Identifiers: MedGen C3149117.

Submission:

Labcorp Genetics (formerly Invitae), Labcorp
Classification: Uncertain significance for GLUT1 deficiency syndrome 1, autosomal recessive. Last evaluated: 2019-05-30. Review status: criteria provided, single submitter. Criteria: Invitae Variant Classification Sherloc (09022015). Collection method: clinical testing. Allele origin: germline.
Comment: In summary, the available evidence is currently insufficient to determine the role of this variant in disease. Therefore, it has been classified as a Variant of Uncertain Significance. Algorithms developed to predict the effect of missense changes on protein structure and function are either unavailable or do not agree on the potential impact of this missense change (SIFT: "Tolerated"; PolyPhen-2: "Possibly Damaging"; Align-GVGD: "Class C0"). This variant has not been reported in the literature in individuals with SLC2A1-related conditions. This variant is not present in population databases (ExAC no frequency). This sequence change replaces phenylalanine with serine at codon 291 of the SLC2A1 protein (p.Phe291Ser). The phenylalanine residue is highly conserved and there is a large physicochemical difference between phenylalanine and serine.

NM_006516.4(SLC2A1):c.872T>C (p.Phe291Ser)

Gene: SLC2A1 (solute carrier family 2 member 1; minus strand). Cytogenetic location: 1p34.2.
Variant type: single nucleotide variant.
Coding change: c.872T>C on transcript NM_006516.4 (MANE Select); coding-DNA position 872, T replaced by C.
Protein change: p.Phe291Ser; replaces phenylalanine 291 with serine.
Molecular consequence: missense variant.
Genome position (GRCh38, 1-based): chr1:42,929,310, A>G on the plus strand (T>C on the coding strand, the complement: SLC2A1 is on the minus strand). VCF-style: chr1-42929310-A-G. GRCh37 (hg19) VCF-style: chr1-43394981-A-G.
Other names: short protein forms F291S.
Identifiers: ClinVar variation 936997 (VCV000936997.10), dbSNP rs1643461834, ClinGen allele CA339956958.